The following is an entry in ClinVar:

NM_001457.4(FLNB):c.793G>A (p.Glu265Lys)

Gene: FLNB (filamin B; plus strand). Cytogenetic location: 3p14.3.
Variant type: single nucleotide variant.
Coding change: c.793G>A on transcript NM_001457.4 (MANE Select); coding-DNA position 793, G replaced by A.
Protein change: p.Glu265Lys; replaces glutamic acid 265 with lysine.
Molecular consequence: missense variant.
Genome position (GRCh38, 1-based): chr3:58,094,841, G>A. VCF-style: chr3-58094841-G-A. GRCh37 (hg19) VCF-style: chr3-58080568-G-A.
Other names: c.793G>A, p.Glu265Lys (NM_001164317.2, NM_001164318.2, NM_001164319.2); short protein forms E265K.
Identifiers: ClinVar variation 5009943 (VCV005009943.1).

ClinVar aggregate classification (germline): Uncertain significance (1 of 4 stars; one submission).

gnomAD v4.1: 1 of 1,613,846 alleles (0.000062%); highest among the groups gnomAD compares: Non-Finnish European, 0.000085%; no homozygotes.

Submission:

GeneDx
Classification: Uncertain significance. Last evaluated: 2026-03-03. Review status: criteria provided, single submitter. Criteria: GeneDx Variant Classification Process June 2021. Collection method: clinical testing. Allele origin: germline.
Comment: Not observed at significant frequency in large population cohorts (gnomAD); In silico analysis supports that this missense variant has a deleterious effect on protein structure/function; Has not been previously published as pathogenic or benign to our knowledge